The following is an entry in ClinVar:

NM_032634.4(PIGO):c.655+6C>T

Gene: PIGO (phosphatidylinositol glycan anchor biosynthesis class O; minus strand). Cytogenetic location: 9p13.3.
Variant type: single nucleotide variant.
Coding change: c.655+6C>T on transcript NM_032634.4 (MANE Select); 6 bases into the intron after coding-DNA position 655, C replaced by T.
Molecular consequence: intron variant.
Genome position (GRCh38, 1-based): chr9:35,094,210, G>A on the plus strand (C>T on the coding strand, the complement: PIGO is on the minus strand). VCF-style: chr9-35094210-G-A. GRCh37 (hg19) VCF-style: chr9-35094207-G-A.
Other names: c.655+6C>T (NM_152850.4, NM_001201484.2).
Identifiers: ClinVar variation 1004110 (VCV001004110.6), dbSNP rs901654668, ClinGen allele CA192715356.

ClinVar aggregate classification (germline): Uncertain significance (1 of 4 stars; one submission).

Conditions:
Hyperphosphatasia with impaired intellectual development syndrome 2. Also called: Hyperphosphatasia with intellectual disability syndrome 2; GLYCOSYLPHOSPHATIDYLINOSITOL BIOSYNTHESIS DEFECT 6. Identifiers: Orphanet 247262, MedGen C3553637, MONDO:0013882, OMIM 614749.

Allele frequency attached by ClinVar (database versions not stated): TOPMed 0.00001; gnomAD 0.00003; gnomAD exomes 0.00001.
gnomAD v4.1: 8 of 1,587,592 alleles (0.0005%); highest among the groups gnomAD compares: Non-Finnish European, 0.00068%; no homozygotes.

Submission:

Labcorp Genetics (formerly Invitae), Labcorp
Classification: Uncertain significance for Hyperphosphatasia with impaired intellectual development syndrome 2. Last evaluated: 2021-08-30. Review status: criteria provided, single submitter. Criteria: Invitae Variant Classification Sherloc (09022015). Collection method: clinical testing. Allele origin: germline.
Comment: This sequence change falls in intron 3 of the PIGO gene. It does not directly change the encoded amino acid sequence of the PIGO protein. It affects a nucleotide within the consensus splice site of the intron. This variant is not present in population databases (ExAC no frequency). This variant has not been reported in the literature in individuals affected with PIGO-related conditions. Variants that disrupt the consensus splice site are a relatively common cause of aberrant splicing (PMID: 17576681, 9536098). Algorithms developed to predict the effect of sequence changes on RNA splicing suggest that this variant may create or strengthen a splice site. In summary, the available evidence is currently insufficient to determine the role of this variant in disease. Therefore, it has been classified as a Variant of Uncertain Significance.

Literature cited by the submitters: PubMed 17576681; PubMed 9536098.